The following is an entry in ClinVar:

NM_000834.5(GRIN2B):c.3955C>T (p.Pro1319Ser)

Gene: GRIN2B (glutamate ionotropic receptor NMDA type subunit 2B; minus strand). Cytogenetic location: 12p13.1.
Variant type: single nucleotide variant.
Coding change: c.3955C>T on transcript NM_000834.5 (MANE Select); coding-DNA position 3955, C replaced by T.
Protein change: p.Pro1319Ser; replaces proline 1319 with serine.
Molecular consequence: missense variant.
Genome position (GRCh38, 1-based): chr12:13,563,283, G>A on the plus strand (C>T on the coding strand, the complement: GRIN2B is on the minus strand). VCF-style: chr12-13563283-G-A. GRCh37 (hg19) VCF-style: chr12-13716217-G-A.
Other names: c.3955C>T, p.Pro1319Ser (NM_001413992.1); short protein forms P1319S.
Identifiers: ClinVar variation 2574864 (VCV002574864.1), dbSNP rs2497466396, ClinGen allele CA383987140.
Genomic context (GRCh38, chr12:13,563,283, plus strand): 5'-TGTGGGCGTAGGGGCTCCCATCCATGAATCGGCCCTTGTCTTTCAGGCTTACGCTGCGCG[G>A]GGCCAGGGCGGCTTCTTCCTTCTGCAGGTCCACGAAGGTGTCGTAGGAGTGCTGCCGGCG-3'
Protein context (NP_000825.2, residues 1309-1329): DLQKEEAALA[Pro1319Ser]RSVSLKDKGR

ClinVar aggregate classification (germline): Uncertain significance (1 of 4 stars; one submission).

Submission:

GeneDx
Classification: Uncertain significance. Last evaluated: 2023-02-02. Review status: criteria provided, single submitter. Criteria: GeneDx Variant Classification Process June 2021. Collection method: clinical testing. Allele origin: germline. Affected: yes.
Comment: Not observed at significant frequency in large population cohorts (gnomAD); In silico analysis supports that this missense variant has a deleterious effect on protein structure/function; Has not been previously published as pathogenic or benign to our knowledge